The following is an entry in ClinVar:

NM_001849.4(COL6A2):c.892G>C (p.Gly298Arg)

Gene: COL6A2 (collagen type VI alpha 2 chain; plus strand). Cytogenetic location: 21q22.3.
Variant type: single nucleotide variant.
Coding change: c.892G>C on transcript NM_001849.4 (MANE Select); coding-DNA position 892, G replaced by C.
Protein change: p.Gly298Arg; replaces glycine 298 with arginine.
Molecular consequence: missense variant.
Genome position (GRCh38, 1-based): chr21:46,116,045, G>C. VCF-style: chr21-46116045-G-C. GRCh37 (hg19) VCF-style: chr21-47535959-G-C.
Other names: c.892G>C, p.Gly298Arg (NM_058174.3, NM_058175.3); short protein forms G298R.
Identifiers: ClinVar variation 855625 (VCV000855625.9), dbSNP rs797045478, ClinGen allele CA410525346.
Genomic context (GRCh38, chr21:46,116,045, plus strand): 5'-ACACTGCTGCGTTGTCCTTCACAGGGAGACCCGGGCATCGAAGGCCCCATTGGATTCCCA[G>C]GACCCAAGGTGAGTGACCTCGGCCAGGGGCTTGGCTCCACCCTGAGGCCCCAGCACTGCC-3'
Protein context (NP_001840.3, residues 288-308): PGIEGPIGFP[Gly298Arg]PKGVPGFKGE

ClinVar aggregate classification (germline): Pathogenic/Likely pathogenic. Review status: criteria provided, multiple submitters, no conflicts (2 of 4 stars). 2 submissions from 2 submitters: Pathogenic (1); Likely pathogenic (1). Last evaluated 2024-10-03.

Conditions:
Bethlem myopathy 1A. Also called: MYOPATHY, BENIGN CONGENITAL, WITH CONTRACTURES; Bethlem myopathy 1; Bethlem Muscular Dystrophy. Identifiers: Orphanet 610, MedGen CN029274, MONDO:0024530, OMIM 158810.
Bethlem myopathy 1B (BTHLM1B). Identifiers: MedGen C5935580, MONDO:0958233, OMIM 620725.
Ullrich congenital muscular dystrophy 1B (UCMD1B). Identifiers: MedGen C5935582, MONDO:0958235, OMIM 620727.
Myosclerosis. Also called: MYOPATHY, MYOSCLEROTIC; MYOSCLEROSIS, CONGENITAL, OF LOWENTHAL; Myosclerosis, congenital. Identifiers: Orphanet 289380, MedGen C1850671, MONDO:0009714, OMIM 255600.

Submissions (2):

Labcorp Genetics (formerly Invitae), Labcorp
Classification: Pathogenic for Bethlem myopathy 1A. Last evaluated: 2024-10-03. Review status: criteria provided, single submitter. Criteria: Invitae Variant Classification Sherloc (09022015). Collection method: clinical testing. Allele origin: germline.
Comment: This sequence change replaces glycine, which is neutral and non-polar, with arginine, which is basic and polar, at codon 298 of the COL6A2 protein (p.Gly298Arg). This variant is not present in population databases (gnomAD no frequency). This missense change has been observed in individuals with clinical features of type VI collagenopathy (PMID: 18825676; internal data). ClinVar contains an entry for this variant (Variation ID: 855625). Invitae Evidence Modeling of protein sequence and biophysical properties (such as structural, functional, and spatial information, amino acid conservation, physicochemical variation, residue mobility, and thermodynamic stability) indicates that this missense variant is expected to disrupt COL6A2 protein function with a positive predictive value of 80%. This variant disrupts the triple helix domain of COL6A2. Glycine residues within the Gly-Xaa-Yaa repeats of the triple helix domain are required for the structure and stability of fibrillar collagens (PMID: 7695699, 8218237, 19344236). In COL6A2, missense variants at these glycine residues are significantly enriched in individuals with autosomal dominant disease (PMID: 15689448, 24038877) compared to the general population (ExAC). For these reasons, this variant has been classified as Pathogenic.

Juno Genomics, Hangzhou Juno Genomics, Inc
Classification: Likely pathogenic for Bethlem myopathy 1B; Ullrich congenital muscular dystrophy 1B; Myosclerosis. Review status: criteria provided, single submitter. Criteria: ACMG Guidelines, 2015. Collection method: clinical testing. Allele origin: germline. Affected: yes.
Comment: Absent from controls (or at extremely low frequency if recessive) in Genome Aggregation Database.;Novel missense change at an amino acid residue where a different missense change determined to be pathogenic has been seen before.;Multiple lines of computational evidence support a deleterious effect on the gene or gene product.

Literature cited by the submitters: PubMed 18825676 (cited by Labcorp Genetics (formerly Invitae), Labcorp); PubMed 7695699 (cited by Labcorp Genetics (formerly Invitae), Labcorp); PubMed 8218237 (cited by Labcorp Genetics (formerly Invitae), Labcorp); PubMed 19344236 (cited by Labcorp Genetics (formerly Invitae), Labcorp); PubMed 15689448 (cited by Labcorp Genetics (formerly Invitae), Labcorp); PubMed 24038877 (cited by Labcorp Genetics (formerly Invitae), Labcorp).